The following is an entry in ClinVar:

ClinVar aggregate classification (germline): Pathogenic/Likely pathogenic. Review status: criteria provided, multiple submitters, no conflicts (2 of 4 stars). 4 submissions from 4 submitters: Pathogenic (1); Likely pathogenic (3). Last evaluated 2025-11-04.

Conditions:
Cholestanol storage disease (CTX). Also called: Cerebrotendinous Xanthomatosis; CEREBRAL CHOLESTERINOSIS; CTX: Cerebrotendinous xanthomatosis. Identifiers: Orphanet 909, MedGen C0238052, MONDO:0008948, OMIM 213700.

Allele frequency attached by ClinVar (database versions not stated): TOPMed 0.00001.

Submissions (4):

Labcorp Genetics (formerly Invitae), Labcorp
Classification: Pathogenic for Cholestanol storage disease. Last evaluated: 2025-11-04. Review status: criteria provided, single submitter. Criteria: Invitae Variant Classification Sherloc (09022015). Collection method: clinical testing. Allele origin: germline.
Comment: This sequence change creates a premature translational stop signal (p.Leu13Argfs*45) in the CYP27A1 gene. It is expected to result in an absent or disrupted protein product. Loss-of-function variants in CYP27A1 are known to be pathogenic (PMID: 9392430, 10775536, 26937392). This variant is not present in population databases (gnomAD no frequency). This variant has not been reported in the literature in individuals affected with CYP27A1-related conditions. ClinVar contains an entry for this variant (Variation ID: 3241274). For these reasons, this variant has been classified as Pathogenic.

Natera, Inc.
Classification: Likely pathogenic for Cerebrotendinous xanthomatosis. Last evaluated: 2024-11-14. Review status: criteria provided, single submitter. Criteria: Natera Variant Classification Schema (03/2026). Collection method: clinical testing. Allele origin: germline.
Comment: The c.38delT variant in CYP27A1 is a frameshift variant predicted to shift the reading frame beginning at codon 13 and leads to a stop codon 45 codons downstream. This variant is expected to result in nonsense mediated decay, truncation, or a dysfunctional protein product. This variant is rare in the general population with a frequency below the threshold expected for the associated phenotype(s). Given the available evidence, this variant is classified as Likely Pathogenic.

Fulgent Genetics
Classification: Likely pathogenic for Cholestanol storage disease. Last evaluated: 2024-05-12. Review status: criteria provided, single submitter. Criteria: ACMG Guidelines, 2015. Collection method: clinical testing. Allele origin: germline.

Baylor Genetics
Classification: Likely pathogenic for Cholestanol storage disease. Last evaluated: 2024-01-05. Review status: criteria provided, single submitter. Criteria: ACMG Guidelines, 2015. Collection method: clinical testing. Allele origin: unknown.

Literature cited by the submitters: PubMed 9392430 (cited by Labcorp Genetics (formerly Invitae), Labcorp); PubMed 10775536 (cited by Labcorp Genetics (formerly Invitae), Labcorp); PubMed 26937392 (cited by Labcorp Genetics (formerly Invitae), Labcorp).

NM_000784.4(CYP27A1):c.38del (p.Leu13fs)

Gene: CYP27A1 (cytochrome P450 family 27 subfamily A member 1; plus strand). Cytogenetic location: 2q35.
Variant type: Deletion.
Coding change: c.38del on transcript NM_000784.4 (MANE Select); coding-DNA position 38, one base deleted (T; older notation c.38delT).
Protein change: p.Leu13fs; shifts the reading frame from leucine 13.
Molecular consequence: frameshift variant.
Genome position (GRCh38, 1-based): chr2:218,782,220, T deleted. VCF-style (leftmost placement, unchanged base first): chr2-218782219-CT-C. GRCh37 (hg19) VCF-style: chr2-219646942-CT-C.
Other names: c.38delT (NM_000784.3); short protein forms L13fs.
Identifiers: ClinVar variation 3241274 (VCV003241274.3), dbSNP rs1943397479.